The following is an entry in ClinVar:

NM_005883.3(APC2):c.6858C>A (p.Thr2286=)

Gene: APC2 (APC regulator of Wnt signaling pathway 2; plus strand). Cytogenetic location: 19p13.3.
Variant type: single nucleotide variant.
Coding change: c.6858C>A on transcript NM_005883.3 (MANE Select); coding-DNA position 6858, C replaced by A.
Protein change: p.Thr2286=; no amino-acid change (threonine 2286 retained).
Molecular consequence: synonymous variant.
Genome position (GRCh38, 1-based): chr19:1,470,159, C>A. VCF-style: chr19-1470159-C-A. GRCh37 (hg19) VCF-style: chr19-1470158-C-A.
Other names: c.6855C>A, p.Thr2285= (NM_001351273.1).
Identifiers: ClinVar variation 2186767 (VCV002186767.29), dbSNP rs202199844, ClinGen allele CA9046204.

ClinVar aggregate classification (germline): Benign/Likely benign. Review status: criteria provided, multiple submitters, no conflicts (2 of 4 stars). 3 submissions from 3 submitters: Benign (1); Likely benign (2). Last evaluated 2024-11-15.

Allele frequency attached by ClinVar (database versions not stated): gnomAD 0.00015; TOPMed 0.00021; ExAC 0.00037; 1000 Genomes Project 30x 0.00062; 1000 Genomes Project 0.00080.
gnomAD v4.1: 142 of 1,603,732 alleles (0.0089%); highest among the groups gnomAD compares: East Asian, 0.31%; no homozygotes.

Submissions (3):

Blueprint Genetics
Classification: Likely benign. Last evaluated: 2024-11-15. Review status: criteria provided, single submitter. Criteria: ACMG Guidelines, 2015. Collection method: clinical testing. Allele origin: germline.

Labcorp Genetics (formerly Invitae), Labcorp
Classification: Benign. Last evaluated: 2024-11-11. Review status: criteria provided, single submitter. Criteria: Invitae Variant Classification Sherloc (09022015). Collection method: clinical testing. Allele origin: germline.

CeGaT Center for Human Genetics Tuebingen
Classification: Likely benign. Last evaluated: 2023-04-01. Review status: criteria provided, single submitter. Criteria: CeGaT Center For Human Genetics Tuebingen Variant Classification Criteria Version 2. Collection method: clinical testing. Allele origin: germline. Affected: yes. Observed: 1 variant allele.
Comment: APC2: BP4, BP7